The following is an entry in ClinVar:

ClinVar aggregate classification (germline): Uncertain significance (1 of 4 stars; one submission).

Allele frequency attached by ClinVar (database versions not stated): ExAC 0.00002; gnomAD exomes 0.00001; TOPMed 0.00001.
gnomAD v4.1: 11 of 1,614,106 alleles (0.00068%); highest among the groups gnomAD compares: Middle Eastern, 0.016%; no homozygotes.

Submission:

Labcorp Genetics (formerly Invitae), Labcorp
Classification: Uncertain significance. Last evaluated: 2022-04-16. Review status: criteria provided, single submitter. Criteria: Invitae Variant Classification Sherloc (09022015). Collection method: clinical testing. Allele origin: germline.
Comment: This sequence change replaces tyrosine, which is neutral and polar, with cysteine, which is neutral and slightly polar, at codon 195 of the NDUFAF5 protein (p.Tyr195Cys). This variant is present in population databases (rs766140910, gnomAD 0.007%). This variant has not been reported in the literature in individuals affected with NDUFAF5-related conditions. Algorithms developed to predict the effect of missense changes on protein structure and function (SIFT, PolyPhen-2, Align-GVGD) all suggest that this variant is likely to be disruptive. In summary, the available evidence is currently insufficient to determine the role of this variant in disease. Therefore, it has been classified as a Variant of Uncertain Significance.

NM_024120.5(NDUFAF5):c.584A>G (p.Tyr195Cys)

Gene: NDUFAF5 (NADH:ubiquinone oxidoreductase complex assembly factor 5; plus strand). Cytogenetic location: 20p12.1.
Variant type: single nucleotide variant.
Coding change: c.584A>G on transcript NM_024120.5 (MANE Select); coding-DNA position 584, A replaced by G.
Protein change: p.Tyr195Cys; replaces tyrosine 195 with cysteine.
Molecular consequence: missense variant. On other transcripts: non-coding transcript variant (7).
Genome position (GRCh38, 1-based): chr20:13,801,550, A>G. VCF-style: chr20-13801550-A-G. GRCh37 (hg19) VCF-style: chr20-13782196-A-G.
Other names: c.500A>G, p.Tyr167Cys (NM_001039375.3); c.113A>G, p.Tyr38Cys (NM_001352403.2); c.23A>G, p.Tyr8Cys (NM_001352406.2, NM_001352407.2); c.584A>G, p.Tyr195Cys (NM_001352408.2); short protein forms Y167C, Y38C, Y8C, Y195C.
Identifiers: ClinVar variation 1466257 (VCV001466257.5), dbSNP rs766140910, ClinGen allele CA9767816.